The following is an entry in ClinVar:

NM_000400.4(ERCC2):c.1361TCA[2] (p.Ile456del)

Gene: ERCC2 (ERCC excision repair 2, TFIIH core complex helicase subunit; minus strand). Cytogenetic location: 19q13.32.
Variant type: Microsatellite.
Coding change: c.1361TCA[2] on transcript NM_000400.4 (MANE Select); two copies in a row of the 3-base unit TCA starting at c.1361; the reference has three copies in a row; one copy, 3 bases deleted; also written c.1367_1369del.
Protein change: p.Ile456del; deletes isoleucine 456.
Molecular consequence: inframe deletion.
Genome position (GRCh38, 1-based): chr19:45,357,482-45,357,484, TGA deleted on the plus strand (TCA on the coding strand, the reverse complement: ERCC2 is on the minus strand); deleting any 3 consecutive bases within chr19:45,357,482-45,357,490 gives the same sequence; the position shown is the placement nearest the transcript's 3' end. VCF-style (leftmost placement, unchanged base first): chr19-45357481-GTGA-G. GRCh37 (hg19) VCF-style: chr19-45860739-GTGA-G.
Other names: c.1367_1369delTCA (NM_000400.3); c.1367_1369del (NM_000400.4); short protein forms I456del.
Identifiers: ClinVar variation 620626 (VCV000620626.8), dbSNP rs750123656, ClinGen allele CA9513336.

ClinVar aggregate classification (germline): Pathogenic/Likely pathogenic. Review status: criteria provided, multiple submitters, no conflicts (2 of 4 stars). 5 submissions from 5 submitters: Pathogenic (1); Likely pathogenic (4). Last evaluated 2024-02-22.

Conditions:
Xeroderma pigmentosum (XP). Identifiers: Orphanet 910, MedGen C0043346, MONDO:0019600.
Craniopharyngioma. Also called: Rathke's pouch tumor; Craniopharyngeal duct tumor; Adamantinomatous tumor; Dysodontogenic epithelial tumor. Identifiers: Orphanet 54595, MedGen C0010276, MeSH D003397, MONDO:0018907, HP:0030062.
Cerebrooculofacioskeletal syndrome 2 (COFS2). Identifiers: MedGen C1853102, MONDO:0012553, OMIM 610756.
Xeroderma pigmentosum, group D (XPD). Also called: ERCC2-Related Xeroderma Pigmentosum; XERODERMA PIGMENTOSUM IV; XP, GROUP D; XP, GROUP H; XERODERMA PIGMENTOSUM, COMPLEMENTATION GROUP D. Identifiers: MedGen C0268138, MONDO:0010212, OMIM 278730.
Trichothiodystrophy 1, photosensitive (TTD1). Also called: TAY SYNDROME; TRICHOTHIODYSTROPHY WITH CONGENITAL ICHTHYOSIS; PIBIDS SYNDROME. Identifiers: Orphanet 33364, MedGen C1866504, MONDO:0011125, OMIM 601675.

Submissions (5):

Labcorp Genetics (formerly Invitae), Labcorp
Classification: Pathogenic. Last evaluated: 2024-02-22. Review status: criteria provided, single submitter. Criteria: Invitae Variant Classification Sherloc (09022015). Collection method: clinical testing. Allele origin: germline.
Comment: This variant, c.1367_1369del, results in the deletion of 1 amino acid(s) of the ERCC2 protein (p.Ile456del), but otherwise preserves the integrity of the reading frame. This variant is present in population databases (rs750123656, gnomAD 0.007%). This variant has been observed in individual(s) with xeroderma pigmentosum (PMID: 19934020). In at least one individual the data is consistent with being in trans (on the opposite chromosome) from a pathogenic variant. It has also been observed to segregate with disease in related individuals. This variant is also known as I455del. ClinVar contains an entry for this variant (Variation ID: 620626). Algorithms developed to predict the effect of variants on protein structure and function are not available or were not evaluated for this variant. Experimental studies have shown that this variant affects ERCC2 function (PMID: 19934020). For these reasons, this variant has been classified as Pathogenic.

Fulgent Genetics
Classification: Likely pathogenic for Xeroderma pigmentosum, group D; Trichothiodystrophy 1, photosensitive; Cerebrooculofacioskeletal syndrome 2. Last evaluated: 2024-01-18. Review status: criteria provided, single submitter. Criteria: ACMG Guidelines, 2015. Collection method: clinical testing. Allele origin: germline.

Baylor Genetics
Classification: Likely pathogenic for Cerebrooculofacioskeletal syndrome 2. Last evaluated: 2023-06-10. Review status: criteria provided, single submitter. Criteria: ACMG Guidelines, 2015. Collection method: clinical testing. Allele origin: unknown.

Women's Health and Genetics/Laboratory Corporation of America, LabCorp
Classification: Likely pathogenic for Xeroderma pigmentosum. Last evaluated: 2023-03-21. Review status: criteria provided, single submitter. Criteria: LabCorp Variant Classification Summary - May 2015. Collection method: clinical testing. Allele origin: germline.
Comment: Variant summary: ERCC2 c.1367_1369delTCA (p.Ile456del) results in an in-frame deletion that is predicted to remove one amino acid from the encoded protein. The variant allele was found at a frequency of 4e-06 in 251424 control chromosomes (gnomAD). c.1367_1369delTCA has been reported in the literature in individuals affected with Xeroderma Pigmentosum (example: Ueda_2009). These data indicate that the variant may be associated with disease. At least one publication reports experimental evidence evaluating an impact on protein function. The most pronounced variant effect results in <10% of normal activity (example: Ueda_2009). One clinical diagnostic laboratory has submitted clinical-significance assessments for this variant to ClinVar after 2014 and classified the variant as likely pathogenic. Based on the evidence outlined above, the variant was classified as likely pathogenic.

St. Jude Molecular Pathology, St. Jude Children's Research Hospital
Classification: Likely pathogenic for Craniopharyngioma. Last evaluated: 2017-03-02. Review status: criteria provided, single submitter. Criteria: ACMG Guidelines, 2015. Collection method: clinical testing. Allele origin: germline. Affected: yes.

Literature cited by the submitters: PubMed 19934020 (cited by Labcorp Genetics (formerly Invitae), Labcorp and Women's Health and Genetics/Laboratory Corporation of America, LabCorp).